The following is an entry in ClinVar:

NM_002098.6(GUCA1B):c.80A>T (p.Lys27Met)

Gene: GUCA1B (guanylate cyclase activator 1B; minus strand). Cytogenetic location: 6p21.1.
Variant type: single nucleotide variant.
Coding change: c.80A>T on transcript NM_002098.6 (MANE Select); coding-DNA position 80, A replaced by T.
Protein change: p.Lys27Met; replaces lysine 27 with methionine.
Molecular consequence: missense variant.
Genome position (GRCh38, 1-based): chr6:42,194,741, T>A on the plus strand (A>T on the coding strand, the complement: GUCA1B is on the minus strand). VCF-style: chr6-42194741-T-A. GRCh37 (hg19) VCF-style: chr6-42162479-T-A.
Other names: c.80A>T (NM_002098.5); short protein forms K27M.
Identifiers: ClinVar variation 1524797 (VCV001524797.9), dbSNP rs750603381, ClinGen allele CA3805658.

ClinVar aggregate classification (germline): Uncertain significance. Review status: criteria provided, multiple submitters, no conflicts (2 of 4 stars). 2 submissions from 2 submitters: Uncertain significance (2). Last evaluated 2024-05-20.

Allele frequency attached by ClinVar (database versions not stated): gnomAD exomes below 0.00001 and 0.00001; TOPMed below 0.00001; ExAC 0.00002.

Submissions (2):

Ambry Genetics
Classification: Uncertain significance. Last evaluated: 2024-05-20. Review status: criteria provided, single submitter. Criteria: Ambry Variant Classification Scheme 2023. Collection method: clinical testing. Allele origin: germline.

Labcorp Genetics (formerly Invitae), Labcorp
Classification: Uncertain significance. Last evaluated: 2022-11-01. Review status: criteria provided, single submitter. Criteria: Invitae Variant Classification Sherloc (09022015). Collection method: clinical testing. Allele origin: germline.
Comment: In summary, the available evidence is currently insufficient to determine the role of this variant in disease. Therefore, it has been classified as a Variant of Uncertain Significance. This sequence change replaces lysine, which is basic and polar, with methionine, which is neutral and non-polar, at codon 27 of the GUCA1B protein (p.Lys27Met). This variant is present in population databases (rs750603381, gnomAD 0.01%). This missense change has been observed in individual(s) with retinitis pigmentosa (Invitae). ClinVar contains an entry for this variant (Variation ID: 1524797). Algorithms developed to predict the effect of missense changes on protein structure and function are either unavailable or do not agree on the potential impact of this missense change (SIFT: "Deleterious"; PolyPhen-2: "Possibly Damaging"; Align-GVGD: "Class C0").